The following is an entry in ClinVar:

ClinVar aggregate classification (germline): Uncertain significance. Review status: criteria provided, multiple submitters, no conflicts (2 of 4 stars). 2 submissions from 2 submitters: Uncertain significance (2). Last evaluated 2025-04-07.

Conditions:
Primary dilated cardiomyopathy (DCM). Also called: Dilated Cardiomyopathy. Identifiers: Orphanet 217604, MedGen C0007193, MeSH D002311, MONDO:0005021, HP:0001644. Inheritance: Various modes of inheritance.

gnomAD v4.1: 7 of 1,614,054 alleles (0.00043%); highest among the groups gnomAD compares: East Asian, 0.0022%; no homozygotes.

Submissions (2):

Labcorp Genetics (formerly Invitae), Labcorp
Classification: Uncertain significance for Primary dilated cardiomyopathy. Last evaluated: 2025-04-07. Review status: criteria provided, single submitter. Criteria: Invitae Variant Classification Sherloc (09022015). Collection method: clinical testing. Allele origin: germline.
Comment: This sequence change replaces serine, which is neutral and polar, with leucine, which is neutral and non-polar, at codon 69 of the FHL2 protein (p.Ser69Leu). This variant is present in population databases (no rsID available, gnomAD 0.006%). This variant has not been reported in the literature in individuals affected with FHL2-related conditions. ClinVar contains an entry for this variant (Variation ID: 3515267). Invitae Evidence Modeling of protein sequence and biophysical properties (such as structural, functional, and spatial information, amino acid conservation, physicochemical variation, residue mobility, and thermodynamic stability) indicates that this missense variant is not expected to disrupt FHL2 protein function with a negative predictive value of 80%. In summary, the available evidence is currently insufficient to determine the role of this variant in disease. Therefore, it has been classified as a Variant of Uncertain Significance.

Ambry Genetics
Classification: Uncertain significance. Last evaluated: 2024-10-12. Review status: criteria provided, single submitter. Criteria: Ambry Variant Classification Scheme 2023. Collection method: clinical testing. Allele origin: germline.

NM_001318895.3(FHL2):c.206C>T (p.Ser69Leu)

Genes: C2orf49 (chromosome 2 open reading frame 49; plus strand), FHL2 (four and a half LIM domains 2; minus strand). Cytogenetic location: 2q12.2.
Variant type: single nucleotide variant.
Coding change: c.206C>T on transcript NM_001318895.3 (MANE Select); coding-DNA position 206, C replaced by T.
Protein change: p.Ser69Leu; replaces serine 69 with leucine.
Molecular consequence: missense variant. On other transcripts: 5 prime UTR variant (1), intron variant (2).
Genome position (GRCh38, 1-based): chr2:105,373,684, G>A on the plus strand (C>T on the coding strand, the complement: FHL2 is on the minus strand). VCF-style: chr2-105373684-G-A. GRCh37 (hg19) VCF-style: chr2-105990141-G-A.
Other names: c.206C>T, p.Ser69Leu (NM_001039492.3, NM_001318894.1, NM_001318896.2 and 4 more transcripts); c.-119C>T (NM_001318899.2); c.-11-5945C>T (NM_001318897.2, NM_001318898.2); short protein forms S69L.
Identifiers: ClinVar variation 3515267 (VCV003515267.2).